The following is an entry in ClinVar:

ClinVar aggregate classification (germline): Conflicting classifications of pathogenicity. Review status: criteria provided, conflicting classifications (1 of 4 stars). 3 submissions from 3 submitters: Uncertain significance (1); Benign (1). 1 of the submissions does not count toward it. Last evaluated 2026-02-01.

Conditions:
GTF2E2-related disorder. Also called: GTF2E2-related condition.

Allele frequency attached by ClinVar (database versions not stated): 1000 Genomes Project 0.00040; TOPMed 0.00131; gnomAD 0.00133 and 0.00135; gnomAD exomes 0.00168 and 0.00207; ExAC 0.00174; ESP Exome Variant Server 0.00185; 1000 Genomes Project 30x 0.00031.
gnomAD v4.1: 3,183 of 1,611,480 alleles (0.2%); highest among the groups gnomAD compares: Non-Finnish European, 0.24%; 9 homozygotes.

Submissions (3):

Labcorp Genetics (formerly Invitae), Labcorp
Classification: Benign. Last evaluated: 2026-02-01. Review status: criteria provided, single submitter. Criteria: Invitae Variant Classification Sherloc (09022015). Collection method: clinical testing. Allele origin: germline.

Breakthrough Genomics
Classification: Uncertain significance. Review status: criteria provided, single submitter. Criteria: ACMG Guidelines, 2015. Collection method: not provided. Allele origin: germline. Inheritance: Autosomal recessive inheritance. Affected: yes.

PreventionGenetics, part of Exact Sciences
Classification: Likely benign for GTF2E2-related condition. Last evaluated: 2022-02-10. Review status: no assertion criteria provided. Collection method: clinical testing. Allele origin: germline. Not counted in ClinVar's aggregate classification.
Comment: This variant is classified as likely benign based on ACMG/AMP sequence variant interpretation guidelines (Richards et al. 2015 PMID: 25741868, with internal and published modifications).

NM_002095.6(GTF2E2):c.398T>C (p.Ile133Thr)

Gene: GTF2E2 (general transcription factor IIE subunit 2; minus strand). Cytogenetic location: 8p12.
Variant type: single nucleotide variant.
Coding change: c.398T>C on transcript NM_002095.6 (MANE Select); coding-DNA position 398, T replaced by C.
Protein change: p.Ile133Thr; replaces isoleucine 133 with threonine.
Molecular consequence: missense variant.
Genome position (GRCh38, 1-based): chr8:30,612,450, A>G on the plus strand (T>C on the coding strand, the complement: GTF2E2 is on the minus strand). VCF-style: chr8-30612450-A-G. GRCh37 (hg19) VCF-style: chr8-30469967-A-G.
Other names: c.398T>C (NM_002095.4); c.398T>C, p.Ile133Thr (NM_001348353.1); short protein forms I133T.
Identifiers: ClinVar variation 1017757 (VCV001017757.8), dbSNP rs2229299, ClinGen allele CA4700973.